The following is an entry in ClinVar:

NM_005051.3(QARS1):c.1132C>G (p.Arg378Gly)

Gene: QARS1 (glutaminyl-tRNA synthetase 1; minus strand). Cytogenetic location: 3p21.31.
Variant type: single nucleotide variant.
Coding change: c.1132C>G on transcript NM_005051.3 (MANE Select); coding-DNA position 1132, C replaced by G.
Protein change: p.Arg378Gly; replaces arginine 378 with glycine.
Molecular consequence: missense variant. On other transcripts: non-coding transcript variant (1).
Genome position (GRCh38, 1-based): chr3:49,100,222, G>C on the plus strand (C>G on the coding strand, the complement: QARS1 is on the minus strand). VCF-style: chr3-49100222-G-C. GRCh37 (hg19) VCF-style: chr3-49137655-G-C.
Other names: c.1099C>G, p.Arg367Gly (NM_001272073.2); short protein forms R367G, R378G.
Identifiers: ClinVar variation 977311 (VCV000977311.3), dbSNP rs185476065, ClinGen allele CA352710252.

ClinVar aggregate classification (germline): Uncertain significance (1 of 4 stars; one submission).

Conditions:
Diffuse cerebral and cerebellar atrophy - intractable seizures - progressive microcephaly syndrome. Also called: Microcephaly, progressive, with seizures and cerebral and cerebellar atrophy. Identifiers: Orphanet 404437, MedGen C4014239, MONDO:0014335, OMIM 615760.

Submission:

Breda Genetics srl
Classification: Uncertain significance for Diffuse cerebral and cerebellar atrophy - intractable seizures - progressive microcephaly syndrome. Last evaluated: 2019-09-13. Review status: criteria provided, single submitter. Criteria: ACMG Guidelines, 2015. Collection method: clinical testing. Allele origin: germline. Inheritance: Autosomal recessive inheritance. Affected: yes. Observed: 1 variant allele, 1 homozygote.
Comment: The variant c.1132C>G (p.Arg378Gly) is reported with an estimated allele frequency of 0.000003984 in gnomAD exomes, with no homozygous individuals reported. The nucleotide position is conserved across 35 mammalian species (GERP RS: 5.12). In silico analysis indicates that the variant might be damaging. Another missense variant, c.1132C>T (p.Arg378Cys), that falls at the same coding position, is reported in Clinvar as likely pathogenic (Variation ID: 598952). Based on ACMG variant interpretation guidelines, we classify this variant as uncertain. However, on the basis of the aforementioned evidence, there is a given likelihood that the variant may actually be pathogenic, even if we cannot exclude that it is a rare benign variant.